The following is an entry in ClinVar:

NM_001605.3(AARS1):c.761A>C (p.Lys254Thr)

Gene: AARS1 (alanyl-tRNA synthetase 1; minus strand). Cytogenetic location: 16q22.1.
Variant type: single nucleotide variant.
Coding change: c.761A>C on transcript NM_001605.3 (MANE Select); coding-DNA position 761, A replaced by C.
Protein change: p.Lys254Thr; replaces lysine 254 with threonine.
Molecular consequence: missense variant.
Genome position (GRCh38, 1-based): chr16:70,270,251, T>G on the plus strand (A>C on the coding strand, the complement: AARS1 is on the minus strand). VCF-style: chr16-70270251-T-G. GRCh37 (hg19) VCF-style: chr16-70304154-T-G.
Other names: short protein forms K254T.
Identifiers: ClinVar variation 1682283 (VCV001682283.9), dbSNP rs1037360663, ClinGen allele CA283440476.

ClinVar aggregate classification (germline): Uncertain significance (1 of 4 stars; one submission).

Conditions:
Charcot-Marie-Tooth disease type 2. Also called: Charcot-Marie-Tooth type 2. Identifiers: Orphanet 64746, MedGen C0270914, MONDO:0018993.

Submission:

Labcorp Genetics (formerly Invitae), Labcorp
Classification: Uncertain significance for Charcot-Marie-Tooth disease type 2. Last evaluated: 2024-11-11. Review status: criteria provided, single submitter. Criteria: Invitae Variant Classification Sherloc (09022015). Collection method: clinical testing. Allele origin: germline.
Comment: This sequence change replaces lysine, which is basic and polar, with threonine, which is neutral and polar, at codon 254 of the AARS protein (p.Lys254Thr). This variant is not present in population databases (gnomAD no frequency). This variant has not been reported in the literature in individuals affected with AARS-related conditions. ClinVar contains an entry for this variant (Variation ID: 1682283). Invitae Evidence Modeling of protein sequence and biophysical properties (such as structural, functional, and spatial information, amino acid conservation, physicochemical variation, residue mobility, and thermodynamic stability) indicates that this missense variant is not expected to disrupt AARS protein function with a negative predictive value of 95%. In summary, the available evidence is currently insufficient to determine the role of this variant in disease. Therefore, it has been classified as a Variant of Uncertain Significance.